The following is an entry in ClinVar:

NM_005198.5(CHKB):c.249C>T (p.Phe83=)

Genes: CHKB (choline kinase beta; minus strand), CHKB-CPT1B (CHKB-CPT1B readthrough (NMD candidate); minus strand). Cytogenetic location: 22q13.33.
Variant type: single nucleotide variant.
Coding change: c.249C>T on transcript NM_005198.5 (MANE Select); coding-DNA position 249, C replaced by T.
Protein change: p.Phe83=; no amino-acid change (phenylalanine 83 retained).
Molecular consequence: synonymous variant. On other transcripts: non-coding transcript variant (1).
Genome position (GRCh38, 1-based): chr22:50,582,333, G>A on the plus strand (C>T on the coding strand, the complement: CHKB is on the minus strand). VCF-style: chr22-50582333-G-A. GRCh37 (hg19) VCF-style: chr22-51020762-G-A.
Other names: p.Phe83=.
Identifiers: ClinVar variation 342176 (VCV000342176.80), dbSNP rs180979987, ClinGen allele CA10323841.

ClinVar aggregate classification (germline): Benign/Likely benign. Review status: criteria provided, multiple submitters, no conflicts (2 of 4 stars). 7 submissions from 7 submitters: Benign (2); Likely benign (4). 1 of the submissions does not count toward it. Last evaluated 2026-04-01.

Conditions:
CHKB-related disorder. Also called: CHKB-related condition.
Megaconial type congenital muscular dystrophy (MDCMC). Also called: CHKB-Related Muscle Diseases; MUSCULAR DYSTROPHY, CONGENITAL, WITH MITOCHONDRIAL STRUCTURAL ABNORMALITIES; CHKB-Related Muscular Dystrophy. Identifiers: Orphanet 280671, MedGen C1865233, MONDO:0011246, OMIM 602541.

Allele frequency attached by ClinVar (database versions not stated): 1000 Genomes Project 0.00040; 1000 Genomes Project 30x 0.00078; gnomAD 0.00174 and 0.00176; TOPMed 0.00178; gnomAD exomes 0.00187; ESP Exome Variant Server 0.00218; ExAC 0.00390.
gnomAD v4.1: 4,825 of 1,574,022 alleles (0.31%); highest among the groups gnomAD compares: Non-Finnish European, 0.4%; 8 homozygotes.

Submissions (7):

CeGaT Center for Human Genetics Tuebingen
Classification: Likely benign. Last evaluated: 2026-04-01. Review status: criteria provided, single submitter. Criteria: CeGaT Center For Human Genetics Tuebingen Variant Classification Criteria Version 2. Collection method: clinical testing. Allele origin: germline. Affected: yes. Observed: 7 variant alleles.
Comment: CHKB: BP4, BP7

Labcorp Genetics (formerly Invitae), Labcorp
Classification: Benign for Megaconial type congenital muscular dystrophy. Last evaluated: 2026-02-02. Review status: criteria provided, single submitter. Criteria: Invitae Variant Classification Sherloc (09022015). Collection method: clinical testing. Allele origin: germline.

Blueprint Genetics
Classification: Likely benign. Last evaluated: 2024-11-28. Review status: criteria provided, single submitter. Criteria: ACMG Guidelines, 2015. Collection method: clinical testing. Allele origin: germline.

Mayo Clinic Laboratories, Mayo Clinic
Classification: Benign. Last evaluated: 2024-11-08. Review status: criteria provided, single submitter. Criteria: ACMG Guidelines, 2015. Collection method: clinical testing. Allele origin: germline. Observed: 7 variant alleles.
Comment: BS1, BS2, BP4, BP7

GeneDx
Classification: Likely benign. Last evaluated: 2021-01-18. Review status: criteria provided, single submitter. Criteria: GeneDx Variant Classification Process June 2021. Collection method: clinical testing. Allele origin: germline. Affected: yes.

Illumina Laboratory Services, Illumina
Classification: Likely benign for Megaconial type congenital muscular dystrophy. Last evaluated: 2018-01-13. Review status: criteria provided, single submitter. Criteria: ICSL Variant Classification Criteria 13 December 2019. Collection method: clinical testing. Allele origin: germline.
Comment: This variant was observed in the ICSL laboratory as part of a predisposition screen in an ostensibly healthy population. It had not been previously curated by ICSL or reported in the Human Gene Mutation Database (HGMD: prior to June 1st, 2018), and was therefore a candidate for classification through an automated scoring system. Utilizing variant allele frequency, disease prevalence and penetrance estimates, and inheritance mode, an automated score was calculated to assess if this variant is too frequent to cause the disease. Based on the score and internal cut-off values, a variant classified as likely benign is not then subjected to further curation. The score for this variant resulted in a classification of likely benign for this disease.

PreventionGenetics, part of Exact Sciences
Classification: Likely benign for CHKB-related condition. Last evaluated: 2019-03-27. Review status: no assertion criteria provided. Collection method: clinical testing. Allele origin: germline. Not counted in ClinVar's aggregate classification.
Comment: This variant is classified as likely benign based on ACMG/AMP sequence variant interpretation guidelines (Richards et al. 2015 PMID: 25741868, with internal and published modifications).